The following is an entry in ClinVar:

NM_198239.2(CCN6):c.246del (p.Glu84fs)

Gene: CCN6 (cellular communication network factor 6; plus strand). Cytogenetic location: 6q21.
Variant type: Deletion.
Coding change: c.246del on transcript NM_198239.2 (MANE Select); coding-DNA position 246, one base deleted (A; older notation c.246delA).
Protein change: p.Glu84fs; shifts the reading frame from glutamic acid 84.
Molecular consequence: frameshift variant. On other transcripts: non-coding transcript variant (2).
Genome position (GRCh38, 1-based): chr6:112,061,188, A deleted. VCF-style (leftmost placement, unchanged base first): chr6-112061187-CA-C. GRCh37 (hg19) VCF-style: chr6-112382390-CA-C.
Other names: c.246del, p.Glu84fs (NM_003880.4); short protein forms E102fs, E84fs.
Identifiers: ClinVar variation 6383 (VCV000006383.29), dbSNP rs797044438, ClinGen allele CA212852.

ClinVar aggregate classification (germline): Pathogenic. Review status: criteria provided, multiple submitters, no conflicts (2 of 4 stars). 8 submissions from 8 submitters: Pathogenic (5). 3 of the submissions do not count toward it. Last evaluated 2024-09-22.

Conditions:
Progressive pseudorheumatoid dysplasia (PPRD). Also called: Progressive Pseudorheumatoid Arthropathy of Childhood; SPONDYLOEPIPHYSEAL DYSPLASIA TARDA WITH PROGRESSIVE ARTHROPATHY. Identifiers: Orphanet 1159, MedGen C0432215, MONDO:0008827, OMIM 208230. Disease mechanism: loss of function.

Submissions (8):

Genomic Medicine Center of Excellence, King Faisal Specialist Hospital and Research Centre
Classification: Pathogenic for Progressive pseudorheumatoid dysplasia. Last evaluated: 2024-09-22. Review status: criteria provided, single submitter. Criteria: ACMG Guidelines, 2015. Collection method: clinical testing. Allele origin: germline.

Labcorp Genetics (formerly Invitae), Labcorp
Classification: Pathogenic. Last evaluated: 2023-03-04. Review status: criteria provided, single submitter. Criteria: Invitae Variant Classification Sherloc (09022015). Collection method: clinical testing. Allele origin: germline.
Comment: For these reasons, this variant has been classified as Pathogenic. ClinVar contains an entry for this variant (Variation ID: 6383). This premature translational stop signal has been observed in individual(s) with clinical features of WISP3-related conditions (PMID: 10471507, 29620724). This variant is not present in population databases (gnomAD no frequency). This sequence change creates a premature translational stop signal (p.Glu84Lysfs*21) in the WISP3 gene. It is expected to result in an absent or disrupted protein product. Loss-of-function variants in WISP3 are known to be pathogenic (PMID: 22791401).

3billion
Classification: Pathogenic for Progressive pseudorheumatoid dysplasia. Last evaluated: 2022-03-22. Review status: criteria provided, single submitter. Criteria: ACMG Guidelines, 2015. Collection method: clinical testing. Allele origin: germline. Affected: yes. Observed: 1 homozygote.
Comment: Frameshift: predicted to result in a loss or disruption of normal protein function through nonsense-mediated decay (NMD) or protein truncation. Multiple pathogenic variants are reported downstream of the variant. This variant has been reported as pathogenic (ClinVar ID: VCV000006383, PMID:10471507).It is not observed in the gnomAD v2.1.1 dataset. Therefore, this variant is classified as pathogenic according to the recommendation of ACMG/AMP guideline.

Baylor Genetics
Classification: Pathogenic for Progressive pseudorheumatoid dysplasia. Last evaluated: 2022-03-04. Review status: criteria provided, single submitter. Criteria: ACMG Guidelines, 2015. Collection method: clinical testing. Allele origin: unknown.

Eurofins Ntd Llc (ga)
Classification: Pathogenic. Last evaluated: 2016-12-05. Review status: criteria provided, single submitter. Criteria: EGL Classification Definitions 2015. Collection method: clinical testing. Allele origin: germline. Observed: 1 variant allele, 1 homozygote.

Clinical Laboratory Sciences Program (CLSP), King Saud bin Abdulaziz University for Health Sciences (KSAU-HS)
Classification: Likely pathogenic for Progressive pseudorheumatoid dysplasia. Last evaluated: 2023-04-01. Review status: no assertion criteria provided. Collection method: clinical testing. Allele origin: germline. Affected: yes. Not counted in ClinVar's aggregate classification.

Biochemical Molecular Genetic Laboratory, King Abdulaziz Medical City
Classification: Pathogenic for Progressive pseudorheumatoid dysplasia. Last evaluated: 2018-06-01. Review status: no assertion criteria provided. Collection method: clinical testing. Allele origin: germline. Affected: yes. Not counted in ClinVar's aggregate classification.

OMIM
Classification: Pathogenic for PROGRESSIVE PSEUDORHEUMATOID ARTHROPATHY. Last evaluated: 1999-09-01. Review status: no assertion criteria provided. Collection method: literature only. Allele origin: germline. Not counted in ClinVar's aggregate classification.

Literature cited by the submitters: PubMed 10471507 (cited by 3 submitters); PubMed 29620724 (cited by Labcorp Genetics (formerly Invitae), Labcorp); PubMed 22791401 (cited by Labcorp Genetics (formerly Invitae), Labcorp).